The following is an entry in ClinVar:

NM_000548.5(TSC2):c.3337G>T (p.Glu1113Ter)

Gene: TSC2 (TSC complex subunit 2; plus strand). Cytogenetic location: 16p13.3.
Variant type: single nucleotide variant.
Coding change: c.3337G>T on transcript NM_000548.5 (MANE Select); coding-DNA position 3337, G replaced by T.
Protein change: p.Glu1113Ter; replaces glutamic acid 1113 with a stop codon.
Molecular consequence: nonsense. On other transcripts: non-coding transcript variant (5).
Genome position (GRCh38, 1-based): chr16:2,079,609, G>T. VCF-style: chr16-2079609-G-T. GRCh37 (hg19) VCF-style: chr16-2129610-G-T.
Other names: c.2605G>T, p.Glu869Ter (NM_001406687.1, NM_001406688.1, NM_001318831.2); c.1993G>T, p.Glu665Ter (NM_001406689.1); c.1864G>T, p.Glu622Ter (NM_001406690.1, NM_001406692.1, NM_001406693.1 and 1 more transcripts); c.1861G>T, p.Glu621Ter (NM_001406691.1, NM_001406695.1, NM_001406696.1 and 1 more transcripts); c.1603G>T, p.Glu535Ter (NM_001406698.1); c.3208G>T, p.Glu1070Ter (NM_021055.3, NM_001363528.2, NM_001370405.1); c.3148G>T, p.Glu1050Ter (NM_001406677.1); c.3094G>T, p.Glu1032Ter (NM_001406678.1); and 18 more; short protein forms E1050*, E1065*, E1080*, E1112*, E1113*, E621*, E1033*, E1064*.
Identifiers: ClinVar variation 4294488 (VCV004294488.1).
Genomic context (GRCh38, chr16:2,079,609, plus strand): 5'-CTTCTCAGCTCCAGCCCCGGGGTGCATGTGAGACAGACCAAGGAGGCGCCGGCCAAGCTG[G>T]AGTCCCAGGCTGGGCAGCAGGTGTCCCGTGGGGCCCGGGATCGGGTCCGTTCCATGTCGG-3'

ClinVar aggregate classification (germline): Pathogenic (1 of 4 stars; one submission).

Conditions:
Tuberous sclerosis 2 (TSC2). Identifiers: Orphanet 805, MedGen C1860707, MONDO:0013199, OMIM 613254.

Submission:

Molecular Genetics Department, Kulakov National Medical Research Center for Obstetrics, Gynecology and Perinatology
Classification: Pathogenic for Tuberous sclerosis 2. Review status: criteria provided, single submitter. Criteria: ACMG Guidelines, 2015. Collection method: clinical testing. Allele origin: de novo. Affected: yes. Observed: 1 variant allele.
Comment: A previously undescribed heterozygous nucleotide variant creates a premature translation stop signal p.Glu1113Ter in the TSC2 gene. Heterozygous variants are reported in patients with tuberous sclerosis-2, 613254. The variant is not present in population database (gnomAD no frequency). Sanger sequencing revealed that the variant arose de novo (parentage confirmed). In summary, this variant has been classified as pathogenic.